The following is an entry in ClinVar:

NM_005591.4(MRE11):c.1558C>T (p.Arg520Cys)

Gene: MRE11 (MRE11 double strand break repair nuclease; minus strand). Cytogenetic location: 11q21.
Variant type: single nucleotide variant.
Coding change: c.1558C>T on transcript NM_005591.4 (MANE Select); coding-DNA position 1558, C replaced by T.
Protein change: p.Arg520Cys; replaces arginine 520 with cysteine.
Molecular consequence: missense variant.
Genome position (GRCh38, 1-based): chr11:94,456,281, G>A on the plus strand (C>T on the coding strand, the complement: MRE11 is on the minus strand). VCF-style: chr11-94456281-G-A. GRCh37 (hg19) VCF-style: chr11-94189447-G-A.
Other names: c.1558C>T, p.Arg520Cys (NM_001330347.2, NM_005590.4); short protein forms R520C.
Identifiers: ClinVar variation 819527 (VCV000819527.10), dbSNP rs567274622, ClinGen allele CA6235042.

ClinVar aggregate classification (germline): Uncertain significance. Review status: criteria provided, multiple submitters, no conflicts (2 of 4 stars). 2 submissions from 2 submitters: Uncertain significance (2). Last evaluated 2025-09-28.

Conditions:
Ataxia-telangiectasia-like disorder (ATLD). Identifiers: MedGen C1858391, MONDO:0011457.
Hereditary cancer-predisposing syndrome. Also called: Neoplastic Syndromes, Hereditary; Tumor predisposition; Hereditary Cancer Syndrome; Hereditary neoplastic syndrome. Identifiers: Orphanet 140162, MedGen C0027672, MeSH D009386, MONDO:0015356.

Allele frequency attached by ClinVar (database versions not stated): gnomAD 0.00001; gnomAD exomes 0.00001; ExAC 0.00002; 1000 Genomes Project 0.00020; 1000 Genomes Project 30x 0.00031.

Submissions (2):

Ambry Genetics
Classification: Uncertain significance for Hereditary cancer-predisposing syndrome. Last evaluated: 2025-09-28. Review status: criteria provided, single submitter. Criteria: Ambry Variant Classification Scheme 2023. Collection method: clinical testing. Allele origin: germline.
Comment: The p.R520C variant (also known as c.1558C>T), located in coding exon 13 of the MRE11A gene, results from a C to T substitution at nucleotide position 1558. The arginine at codon 520 is replaced by cysteine, an amino acid with highly dissimilar properties. This amino acid position is highly conserved in available vertebrate species. In addition, the in silico prediction for this alteration is inconclusive. Since supporting evidence is limited at this time, the clinical significance of this alteration remains unclear.

Labcorp Genetics (formerly Invitae), Labcorp
Classification: Uncertain significance for Ataxia-telangiectasia-like disorder. Last evaluated: 2021-12-01. Review status: criteria provided, single submitter. Criteria: Invitae Variant Classification Sherloc (09022015). Collection method: clinical testing. Allele origin: germline.
Comment: Algorithms developed to predict the effect of missense changes on protein structure and function are either unavailable or do not agree on the potential impact of this missense change (SIFT: "Deleterious"; PolyPhen-2: "Possibly Damaging"; Align-GVGD: "Class C0"). In summary, the available evidence is currently insufficient to determine the role of this variant in disease. Therefore, it has been classified as a Variant of Uncertain Significance. ClinVar contains an entry for this variant (Variation ID: 819527). This variant has not been reported in the literature in individuals affected with MRE11-related conditions. This variant is present in population databases (rs567274622, gnomAD 0.003%). This sequence change replaces arginine, which is basic and polar, with cysteine, which is neutral and slightly polar, at codon 520 of the MRE11 protein (p.Arg520Cys).